The following is an entry in ClinVar:

NM_002691.4(POLD1):c.538A>G (p.Arg180Gly)

Gene: POLD1 (DNA polymerase delta 1, catalytic subunit; plus strand). Cytogenetic location: 19q13.33.
Variant type: single nucleotide variant.
Coding change: c.538A>G on transcript NM_002691.4 (MANE Select); coding-DNA position 538, A replaced by G.
Protein change: p.Arg180Gly; replaces arginine 180 with glycine.
Molecular consequence: missense variant. On other transcripts: non-coding transcript variant (1).
Genome position (GRCh38, 1-based): chr19:50,402,073, A>G. VCF-style: chr19-50402073-A-G. GRCh37 (hg19) VCF-style: chr19-50905330-A-G.
Other names: c.538A>G, p.Arg180Gly (NM_001256849.1, NM_001308632.1); c.538A>G (NM_002691.2); short protein forms R180G.
Identifiers: ClinVar variation 644534 (VCV000644534.8), dbSNP rs749864626, ClinGen allele CA406973231.

ClinVar aggregate classification (germline): Uncertain significance. Review status: criteria provided, multiple submitters, no conflicts (2 of 4 stars). 2 submissions from 2 submitters: Uncertain significance (2). Last evaluated 2025-08-30.

Conditions:
Hereditary cancer-predisposing syndrome. Also called: Hereditary neoplastic syndrome; Tumor predisposition; Hereditary Cancer Syndrome; Neoplastic Syndromes, Hereditary. Identifiers: Orphanet 140162, MedGen C0027672, MeSH D009386, MONDO:0015356.
POLD1-related polyposis and colorectal cancer syndrome (CRCS10). Also called: Colorectal cancer, susceptibility to, 10; Colorectal cancer 10; COLORECTAL CANCER, SUSCEPTIBILITY TO, ON CHROMOSOME 19q. Identifiers: Orphanet 220460, MedGen C2675481, MONDO:0012953, OMIM 612591.

Submissions (2):

Ambry Genetics
Classification: Uncertain significance for Hereditary cancer-predisposing syndrome. Last evaluated: 2025-08-30. Review status: criteria provided, single submitter. Criteria: Ambry Variant Classification Scheme 2023. Collection method: clinical testing. Allele origin: germline.
Comment: The p.R180G variant (also known as c.538A>G), located in coding exon 4 of the POLD1 gene, results from an A to G substitution at nucleotide position 538. The arginine at codon 180 is replaced by glycine, an amino acid with dissimilar properties. This amino acid position is conserved. In addition, this alteration is predicted to be tolerated by in silico analysis. Based on the available evidence, the clinical significance of this variant remains unclear.

Labcorp Genetics (formerly Invitae), Labcorp
Classification: Uncertain significance for POLD1-related polyposis and colorectal cancer syndrome. Last evaluated: 2024-01-31. Review status: criteria provided, single submitter. Criteria: Invitae Variant Classification Sherloc (09022015). Collection method: clinical testing. Allele origin: germline.
Comment: This sequence change replaces arginine, which is basic and polar, with glycine, which is neutral and non-polar, at codon 180 of the POLD1 protein (p.Arg180Gly). This variant is present in population databases (no rsID available, gnomAD no frequency). This variant has not been reported in the literature in individuals affected with POLD1-related conditions. ClinVar contains an entry for this variant (Variation ID: 644534). An algorithm developed to predict the effect of missense changes on protein structure and function (PolyPhen-2) suggests that this variant¬†is likely to be tolerated. In summary, the available evidence is currently insufficient to determine the role of this variant in disease. Therefore, it has been classified as a Variant of Uncertain Significance.